The following is an entry in ClinVar:

NM_001288705.3(CSF1R):c.317G>A (p.Arg106Gln)

Gene: CSF1R (colony stimulating factor 1 receptor; minus strand). Cytogenetic location: 5q32.
Variant type: single nucleotide variant.
Coding change: c.317G>A on transcript NM_001288705.3 (MANE Select); coding-DNA position 317, G replaced by A.
Protein change: p.Arg106Gln; replaces arginine 106 with glutamine.
Molecular consequence: missense variant. On other transcripts: 5 prime UTR variant (1), non-coding transcript variant (2).
Genome position (GRCh38, 1-based): chr5:150,080,327, C>T on the plus strand (G>A on the coding strand, the complement: CSF1R is on the minus strand). VCF-style: chr5-150080327-C-T. GRCh37 (hg19) VCF-style: chr5-149459890-C-T.
Other names: c.317G>A (NM_005211.3); c.317G>A, p.Arg106Gln (NM_001349736.2, NM_001375320.1, NM_005211.4); c.-128G>A (NM_001375321.1); short protein forms R106Q.
Identifiers: ClinVar variation 1536796 (VCV001536796.10), dbSNP rs535129002, ClinGen allele CA3507204.
Genomic context (GRCh38, chr5:150,080,327, plus strand): 5'-GGCAGTAGTGCGTCCTGGTCCTCGAACACGACCACCTCCTGTGCTAGCACGTTCCAGGGC[C>T]GGGCAGGGTCTAGAGTAGAGGAGGGCACAGGGTTACAACTGCCCTCCCTCCACTGGGCCA-3'
Protein context (NP_001275634.1, residues 96-116): AIHLYVKDPA[Arg106Gln]PWNVLAQEVV

ClinVar aggregate classification (germline): Conflicting classifications of pathogenicity. Review status: criteria provided, conflicting classifications (1 of 4 stars). 3 submissions from 3 submitters: Uncertain significance (2); Likely benign (1). Last evaluated 2026-02-17.

Conditions:
Inborn genetic diseases. Identifiers: MedGen C0950123, MeSH D030342.

Allele frequency attached by ClinVar (database versions not stated): TOPMed 0.00010; gnomAD exomes 0.00013 and 0.00015; ExAC 0.00016; gnomAD 0.00018 and 0.00019.

Submissions (3):

Women's Health and Genetics/Laboratory Corporation of America, LabCorp
Classification: Uncertain significance. Last evaluated: 2026-02-17. Review status: criteria provided, single submitter. Criteria: LabCorp Variant Classification Summary - May 2015. Collection method: clinical testing. Allele origin: germline.
Comment: Variant summary: CSF1R c.317G>A (p.Arg106Gln) results in a conservative amino acid change in the encoded protein sequence. Algorithms developed to predict the effect of missense changes on protein structure and function all suggest that this variant is likely to be tolerated. The variant allele was found at a frequency of 0.00015 in 246228 control chromosomes, predominantly at a frequency of 0.00029 within the Non-Finnish European subpopulation in the gnomAD database. This frequency is not significantly higher than estimated for disease-causing variants in CSF1R, allowing no conclusion about variant significance. To our knowledge, no occurrence of c.317G>A in individuals affected with CSF1R-related conditions and no experimental evidence demonstrating its impact on protein function have been reported. ClinVar contains an entry for this variant (Variation ID: 1536796). Based on the evidence outlined above, the variant was classified as uncertain significance.

Labcorp Genetics (formerly Invitae), Labcorp
Classification: Likely benign. Last evaluated: 2025-10-01. Review status: criteria provided, single submitter. Criteria: Invitae Variant Classification Sherloc (09022015). Collection method: clinical testing. Allele origin: germline.

Ambry Genetics
Classification: Uncertain significance for Inborn genetic diseases. Last evaluated: 2021-07-14. Review status: criteria provided, single submitter. Criteria: Ambry Variant Classification Scheme 2023. Collection method: clinical testing. Allele origin: germline.